The following is an entry in ClinVar:

NM_017617.5(NOTCH1):c.2605G>A (p.Asp869Asn)

Gene: NOTCH1 (notch receptor 1; minus strand). Cytogenetic location: 9q34.3.
Variant type: single nucleotide variant.
Coding change: c.2605G>A on transcript NM_017617.5 (MANE Select); coding-DNA position 2605, G replaced by A.
Protein change: p.Asp869Asn; replaces aspartic acid 869 with asparagine.
Molecular consequence: missense variant.
Genome position (GRCh38, 1-based): chr9:136,510,788, C>T on the plus strand (G>A on the coding strand, the complement: NOTCH1 is on the minus strand). VCF-style: chr9-136510788-C-T. GRCh37 (hg19) VCF-style: chr9-139405240-C-T.
Other names: c.2605G>A (NM_017617.3); short protein forms D869N.
Identifiers: ClinVar variation 1418710 (VCV001418710.12), dbSNP rs1420968156, ClinGen allele CA375555038.

ClinVar aggregate classification (germline): Uncertain significance. Review status: criteria provided, multiple submitters, no conflicts (2 of 4 stars). 5 submissions from 4 submitters: Uncertain significance (5). Last evaluated 2024-12-04.

Conditions:
Familial thoracic aortic aneurysm and aortic dissection (TAAD). Also called: Thoracic aortic aneurysms and dissections. Identifiers: Orphanet 91387, MedGen C4707243, MONDO:0019625.
Aortic valve disease 1 (AOVD1). Identifiers: MedGen C3887892, MONDO:0024523, OMIM 109730.
Adams-Oliver syndrome 5 (AOS5). Identifiers: Orphanet 974, MedGen C4014970, MONDO:0014459, OMIM 616028.

Allele frequency attached by ClinVar (database versions not stated): gnomAD exomes below 0.00001; gnomAD 0.00001; TOPMed 0.00001.
gnomAD v4.1: 3 of 1,609,622 alleles (0.00019%); highest among the groups gnomAD compares: African/African-American, 0.0027%; no homozygotes.

Submissions (5):

Ambry Genetics
Classification: Uncertain significance for Familial thoracic aortic aneurysm and aortic dissection. Last evaluated: 2024-12-04. Review status: criteria provided, single submitter. Criteria: Ambry Variant Classification Scheme 2023. Collection method: clinical testing. Allele origin: germline.

Genome-Nilou Lab
Classification: Uncertain significance for Adams-Oliver syndrome 5. Last evaluated: 2022-03-15. Review status: criteria provided, single submitter. Criteria: ACMG Guidelines, 2015. Collection method: clinical testing. Allele origin: germline. Affected: no.

Genome-Nilou Lab
Classification: Uncertain significance for Aortic valve disease 1. Last evaluated: 2022-03-15. Review status: criteria provided, single submitter. Criteria: ACMG Guidelines, 2015. Collection method: clinical testing. Allele origin: germline. Affected: no.

AiLife Diagnostics
Classification: Uncertain significance. Last evaluated: 2022-01-05. Review status: criteria provided, single submitter. Criteria: ACMG Guidelines, 2015. Collection method: clinical testing. Allele origin: germline. Affected: yes. Observed: 1 variant allele.

Labcorp Genetics (formerly Invitae), Labcorp
Classification: Uncertain significance for Adams-Oliver syndrome 5. Last evaluated: 2021-05-17. Review status: criteria provided, single submitter. Criteria: Invitae Variant Classification Sherloc (09022015). Collection method: clinical testing. Allele origin: germline.
Comment: This sequence change replaces aspartic acid with asparagine at codon 869 of the NOTCH1 protein (p.Asp869Asn). The aspartic acid residue is highly conserved and there is a small physicochemical difference between aspartic acid and asparagine. This variant is not present in population databases (ExAC no frequency). This variant has not been reported in the literature in individuals with NOTCH1-related conditions. Algorithms developed to predict the effect of missense changes on protein structure and function are either unavailable or do not agree on the potential impact of this missense change (SIFT: "Deleterious"; PolyPhen-2: "Probably Damaging"; Align-GVGD: "Class C15"). In summary, the available evidence is currently insufficient to determine the role of this variant in disease. Therefore, it has been classified as a Variant of Uncertain Significance.